The following is an entry in ClinVar:

NM_058216.3(RAD51C):c.334G>T (p.Gly112Trp)

Gene: RAD51C (RAD51 paralog C; plus strand). Cytogenetic location: 17q22.
Variant type: single nucleotide variant.
Coding change: c.334G>T on transcript NM_058216.3 (MANE Select); coding-DNA position 334, G replaced by T.
Protein change: p.Gly112Trp; replaces glycine 112 with tryptophan.
Molecular consequence: missense variant. On other transcripts: non-coding transcript variant (2).
Genome position (GRCh38, 1-based): chr17:58,695,119, G>T. VCF-style: chr17-58695119-G-T. GRCh37 (hg19) VCF-style: chr17-56772480-G-T.
Other names: c.334G>T, p.Gly112Trp (NM_002876.4, NM_058217.1); short protein forms G112W.
Identifiers: ClinVar variation 2130491 (VCV002130491.4), dbSNP rs2143724957, ClinGen allele CA400341381.
Genomic context (GRCh38, chr17:58,695,119, plus strand): 5'-GAGCAGGAGCATACCCAGGGCTTCATAATCACCTTCTGTTCAGCACTAGATGATATTCTT[G>T]GGGGTGGAGTGCCCTTAATGAAAACAACAGAAATTTGTGGTGCACCAGGTGTTGGAAAAA-3'
Protein context (NP_478123.1, residues 102-122): TFCSALDDIL[Gly112Trp]GGVPLMKTTE

ClinVar aggregate classification (germline): Uncertain significance (1 of 4 stars; one submission).

Conditions:
Fanconi anemia complementation group O. Also called: RAD51C-Related Fanconi Anemia. Identifiers: Orphanet 84, MedGen C3150653, MONDO:0013248, OMIM 613390.

Submission:

Labcorp Genetics (formerly Invitae), Labcorp
Classification: Uncertain significance for Fanconi anemia complementation group O. Last evaluated: 2022-04-25. Review status: criteria provided, single submitter. Criteria: Invitae Variant Classification Sherloc (09022015). Collection method: clinical testing. Allele origin: germline.
Comment: Advanced modeling of protein sequence and biophysical properties (such as structural, functional, and spatial information, amino acid conservation, physicochemical variation, residue mobility, and thermodynamic stability) performed at Invitae indicates that this missense variant is expected to disrupt RAD51C protein function. In summary, the available evidence is currently insufficient to determine the role of this variant in disease. Therefore, it has been classified as a Variant of Uncertain Significance. This variant has not been reported in the literature in individuals affected with RAD51C-related conditions. This variant is not present in population databases (gnomAD no frequency). This sequence change replaces glycine, which is neutral and non-polar, with tryptophan, which is neutral and slightly polar, at codon 112 of the RAD51C protein (p.Gly112Trp).